The following is an entry in ClinVar:

NM_000631.5(NCF4):c.470+5G>A

Gene: NCF4 (neutrophil cytosolic factor 4; plus strand). Cytogenetic location: 22q12.3.
Variant type: single nucleotide variant.
Coding change: c.470+5G>A on transcript NM_000631.5 (MANE Select); 5 bases into the intron after coding-DNA position 470, G replaced by A.
Molecular consequence: intron variant.
Genome position (GRCh38, 1-based): chr22:36,870,547, G>A. VCF-style: chr22-36870547-G-A. GRCh37 (hg19) VCF-style: chr22-37266589-G-A.
Other names: c.470+5G>A (NM_013416.4).
Identifiers: ClinVar variation 2052720 (VCV002052720.4), dbSNP rs1397537560, ClinGen allele CA639393123.

ClinVar aggregate classification (germline): Uncertain significance (1 of 4 stars; one submission).

Conditions:
Granulomatous disease, chronic, autosomal recessive, cytochrome b-positive, type 3. Also called: Granulomatous disease, chronic, autosomal recessive, cytochrome b-positive, type III; GRANULOMATOUS DISEASE, CHRONIC, DUE TO NCF4 DEFICIENCY; GRANULOMATOUS DISEASE, CHRONIC, AUTOSOMAL RECESSIVE, 3; CGD, AUTOSOMAL RECESSIVE CYTOCHROME b-POSITIVE, TYPE III. Identifiers: Orphanet 379, MedGen C3151409, MONDO:0013507, OMIM 613960.

Allele frequency attached by ClinVar (database versions not stated): gnomAD exomes below 0.00001.
gnomAD v4.1: 2 of 1,610,924 alleles (0.00012%); highest among the groups gnomAD compares: Non-Finnish European, 0.000085%; no homozygotes.

Submission:

Labcorp Genetics (formerly Invitae), Labcorp
Classification: Uncertain significance for Granulomatous disease, chronic, autosomal recessive, cytochrome b-positive, type 3. Last evaluated: 2021-12-22. Review status: criteria provided, single submitter. Criteria: Invitae Variant Classification Sherloc (09022015). Collection method: clinical testing. Allele origin: germline.
Comment: Variants that disrupt the consensus splice site are a relatively common cause of aberrant splicing (PMID: 17576681, 9536098). Algorithms developed to predict the effect of sequence changes on RNA splicing suggest that this variant may disrupt the consensus splice site. This variant has not been reported in the literature in individuals affected with NCF4-related conditions. This variant is present in population databases (no rsID available, gnomAD 0.0009%). This sequence change falls in intron 5 of the NCF4 gene. It does not directly change the encoded amino acid sequence of the NCF4 protein. It affects a nucleotide within the consensus splice site. In summary, the available evidence is currently insufficient to determine the role of this variant in disease. Therefore, it has been classified as a Variant of Uncertain Significance.

Literature cited by the submitters: PubMed 17576681; PubMed 9536098.